The following is an entry in ClinVar:

NM_138691.3(TMC1):c.1874G>C (p.Arg625Thr)

Gene: TMC1 (transmembrane channel like 1; plus strand). Cytogenetic location: 9q21.13.
Variant type: single nucleotide variant.
Coding change: c.1874G>C on transcript NM_138691.3 (MANE Select); coding-DNA position 1874, G replaced by C.
Protein change: p.Arg625Thr; replaces arginine 625 with threonine.
Molecular consequence: missense variant.
Genome position (GRCh38, 1-based): chr9:72,820,952, G>C. VCF-style: chr9-72820952-G-C. GRCh37 (hg19) VCF-style: chr9-75435868-G-C.
Other names: short protein forms R625T.
Identifiers: ClinVar variation 930101 (VCV000930101.4), dbSNP rs762417969, ClinGen allele CA5082088.

ClinVar aggregate classification (germline): Uncertain significance (1 of 4 stars; one submission).

Allele frequency attached by ClinVar (database versions not stated): ExAC 0.00002; gnomAD exomes below 0.00001.
gnomAD v4.1: 5 of 1,614,122 alleles (0.00031%); highest among the groups gnomAD compares: South Asian, 0.0011%; no homozygotes.

Submission:

Laboratory for Molecular Medicine, Mass General Brigham Personalized Medicine
Classification: Uncertain significance. Last evaluated: 2019-04-26. Review status: criteria provided, single submitter. Criteria: LMM Criteria. Collection method: clinical testing. Allele origin: germline. Observed: 1 variant allele.
Comment: The p.Arg625Thr variant in TMC1 has not been previously reported in individuals with hearing loss but has been identified in 0.0008% (1/113672) of European chromosomes by gnomAD. Computational prediction tools and conservation analysis do not provide strong support for or against an impact to the protein. In summary, the clinical significance of this variant is uncertain. ACMG/AMP Criteria applied: PM2.